The following is an entry in ClinVar:

NM_001004334.4(GPR179):c.1727del (p.Tyr576fs)

Gene: GPR179 (G protein-coupled receptor 179; minus strand). Cytogenetic location: 17q12.
Variant type: Deletion.
Coding change: c.1727del on transcript NM_001004334.4 (MANE Select); coding-DNA position 1727, one base deleted (A; older notation c.1727delA).
Protein change: p.Tyr576fs; shifts the reading frame from tyrosine 576.
Molecular consequence: frameshift variant.
Genome position (GRCh38, 1-based): chr17:38,334,761, T deleted on the plus strand (A on the coding strand, the reverse complement: GPR179 is on the minus strand). VCF-style (leftmost placement, unchanged base first): chr17-38334760-GT-G. GRCh37 (hg19) VCF-style: chr17-36490643-GT-G.
Other names: short protein forms Y576fs.
Identifiers: ClinVar variation 623175 (VCV000623175.6), dbSNP rs1567725425, ClinGen allele CA913190529.

ClinVar aggregate classification (germline): Pathogenic/Likely pathogenic. Review status: criteria provided, multiple submitters, no conflicts (2 of 4 stars). 2 submissions from 2 submitters: Pathogenic (1); Likely pathogenic (1). Last evaluated 2021-07-31.

Conditions:
Congenital stationary night blindness 1E. Also called: Night blindness, congenital stationary (complete), 1E, autosomal recessive. Identifiers: Orphanet 215, MedGen C3281215, MONDO:0013807, OMIM 614565.

Allele frequency attached by ClinVar (database versions not stated): gnomAD exomes below 0.00001.

Submissions (2):

Labcorp Genetics (formerly Invitae), Labcorp
Classification: Pathogenic. Last evaluated: 2021-07-31. Review status: criteria provided, single submitter. Criteria: Invitae Variant Classification Sherloc (09022015). Collection method: clinical testing. Allele origin: germline.
Comment: This sequence change creates a premature translational stop signal (p.Tyr576Serfs*50) in the GPR179 gene. It is expected to result in an absent or disrupted protein product. Loss-of-function variants in GPR179 are known to be pathogenic (PMID: 22325361, 22325362). This variant is not present in population databases (ExAC no frequency). This variant has not been reported in the literature in individuals affected with GPR179-related conditions. ClinVar contains an entry for this variant (Variation ID: 623175). For these reasons, this variant has been classified as Pathogenic.

Molecular Diagnostics Laboratory, M Health Fairview: University of Minnesota
Classification: Likely pathogenic for Congenital stationary night blindness 1E. Last evaluated: 2017-07-27. Review status: criteria provided, single submitter. Criteria: ACMG Guidelines, 2015. Collection method: clinical testing. Allele origin: germline. Affected: yes. Observed: 1 variant allele.

Literature cited by the submitters: PubMed 22325361 (cited by Labcorp Genetics (formerly Invitae), Labcorp and Molecular Diagnostics Laboratory, M Health Fairview: University of Minnesota); PubMed 22325362 (cited by Labcorp Genetics (formerly Invitae), Labcorp).